The following is an entry in ClinVar:

NM_203447.4(DOCK8):c.2693C>G (p.Ala898Gly)

Gene: DOCK8 (dedicator of cytokinesis 8; plus strand). Cytogenetic location: 9p24.3.
Variant type: single nucleotide variant.
Coding change: c.2693C>G on transcript NM_203447.4 (MANE Select); coding-DNA position 2693, C replaced by G.
Protein change: p.Ala898Gly; replaces alanine 898 with glycine.
Molecular consequence: missense variant.
Genome position (GRCh38, 1-based): chr9:382,600, C>G. VCF-style: chr9-382600-C-G. GRCh37 (hg19) VCF-style: chr9-382600-C-G.
Other names: c.2489C>G, p.Ala830Gly (NM_001190458.2, NM_001193536.2); short protein forms A898G, A830G.
Identifiers: ClinVar variation 2958553 (VCV002958553.1), dbSNP rs2053767012, ClinGen allele CA372765304.

ClinVar aggregate classification (germline): Uncertain significance (1 of 4 stars; one submission).

Conditions:
Hyper-IgE recurrent infection syndrome 3, autosomal recessive. Also called: HYPER-IgE SYNDROME 3, AUTOSOMAL RECESSIVE, WITH RECURRENT INFECTIONS; Autosomal recessive hyper-IgE syndrome due to ZNF341 deficiency. Identifiers: Orphanet 641368, MedGen C4748969, MONDO:0032654, OMIM 618282.

Allele frequency attached by ClinVar (database versions not stated): TOPMed 0.00001.

Submission:

Labcorp Genetics (formerly Invitae), Labcorp
Classification: Uncertain significance for Combined immunodeficiency due to DOCK8 deficiency. Last evaluated: 2022-11-20. Review status: criteria provided, single submitter. Criteria: Invitae Variant Classification Sherloc (09022015). Collection method: clinical testing. Allele origin: germline.
Comment: In summary, the available evidence is currently insufficient to determine the role of this variant in disease. Therefore, it has been classified as a Variant of Uncertain Significance. Advanced modeling of protein sequence and biophysical properties (such as structural, functional, and spatial information, amino acid conservation, physicochemical variation, residue mobility, and thermodynamic stability) performed at Invitae indicates that this missense variant is not expected to disrupt DOCK8 protein function. This variant has not been reported in the literature in individuals affected with DOCK8-related conditions. This variant is not present in population databases (gnomAD no frequency). This sequence change replaces alanine, which is neutral and non-polar, with glycine, which is neutral and non-polar, at codon 898 of the DOCK8 protein (p.Ala898Gly).